The following is an entry in ClinVar:

NM_012470.4(TNPO3):c.2677A>C (p.Lys893Gln)

Gene: TNPO3 (transportin 3; minus strand). Cytogenetic location: 7q32.1.
Variant type: single nucleotide variant.
Coding change: c.2677A>C on transcript NM_012470.4 (MANE Select); coding-DNA position 2677, A replaced by C.
Protein change: p.Lys893Gln; replaces lysine 893 with glutamine.
Molecular consequence: missense variant. On other transcripts: non-coding transcript variant (18).
Genome position (GRCh38, 1-based): chr7:128,967,314, T>G on the plus strand (A>C on the coding strand, the complement: TNPO3 is on the minus strand). VCF-style: chr7-128967314-T-G. GRCh37 (hg19) VCF-style: chr7-128607368-T-G.
Other names: c.2485A>C, p.Lys829Gln (NM_001191028.3, NM_001382223.1); c.2779A>C, p.Lys927Gln (NM_001382216.1); c.2758A>C, p.Lys920Gln (NM_001382217.1); c.2677A>C, p.Lys893Gln (NM_001382218.1); c.2569A>C, p.Lys857Gln (NM_001382219.1); c.2536A>C, p.Lys846Gln (NM_001382220.1); c.2533A>C, p.Lys845Gln (NM_001382221.1); c.2530A>C, p.Lys844Gln (NM_001382222.1); short protein forms K857Q, K927Q, K829Q, K845Q, K846Q, K844Q, K893Q, K920Q.
Identifiers: ClinVar variation 1437825 (VCV001437825.6), dbSNP rs2128988428, ClinGen allele CA369249647.

ClinVar aggregate classification (germline): Uncertain significance (1 of 4 stars; one submission).

Conditions:
Autosomal dominant limb-girdle muscular dystrophy type 1F (LGMDD2). Also called: Limb-girdle muscular dystrophy, type 1F; MUSCULAR DYSTROPHY, LIMB-GIRDLE, AUTOSOMAL DOMINANT 2. Identifiers: Orphanet 55595, MedGen C1842062, MONDO:0012034, OMIM 608423.

Submission:

Labcorp Genetics (formerly Invitae), Labcorp
Classification: Uncertain significance for Autosomal dominant limb-girdle muscular dystrophy type 1F. Last evaluated: 2021-10-07. Review status: criteria provided, single submitter. Criteria: Invitae Variant Classification Sherloc (09022015). Collection method: clinical testing. Allele origin: germline.
Comment: In summary, the available evidence is currently insufficient to determine the role of this variant in disease. Therefore, it has been classified as a Variant of Uncertain Significance. Algorithms developed to predict the effect of missense changes on protein structure and function (SIFT, PolyPhen-2, Align-GVGD) all suggest that this variant is likely to be tolerated. This variant has not been reported in the literature in individuals affected with TNPO3-related conditions. This variant is not present in population databases (ExAC no frequency). This sequence change replaces lysine with glutamine at codon 893 of the TNPO3 protein (p.Lys893Gln). The lysine residue is moderately conserved and there is a small physicochemical difference between lysine and glutamine.